The following is an entry in ClinVar:

ClinVar aggregate classification (germline): Conflicting classifications of pathogenicity. Review status: criteria provided, conflicting classifications (1 of 4 stars). 5 submissions from 5 submitters: Pathogenic (2); Likely pathogenic (1); Uncertain significance (2). Last evaluated 2025-10-21.

Conditions:
Neurofibromatosis, type 1 (NF1). Also called: NEUROFIBROMATOSIS, TYPE I, SOMATIC; VON RECKLINGHAUSEN DISEASE; Neurofibromatosis, type I; Peripheral type neurofibromatosis. Identifiers: Orphanet 636, MedGen C0027831, MONDO:0018975, OMIM 162200. Disease mechanism: loss of function.

Submissions (5):

3billion
Classification: Pathogenic for Neurofibromatosis, type 1. Last evaluated: 2025-10-21. Review status: criteria provided, single submitter. Criteria: ACMG Guidelines, 2015. Collection method: clinical testing. Allele origin: germline. Affected: yes.
Comment: The variant is not observed in the gnomAD v4.1.0 dataset. Predicted Consequence/Location: Missense variant In silico tool predictions suggest damaging effect of the variant on gene or gene product [REVEL: 0.70 (>=0.6, sensitivity 0.68 and specificity 0.92); 3Cnet: 0.82 (> 0.75, sensitivity 0.96 and precision 0.92)]. The same nucleotide change resulting in the same amino acid change has been previously reported to be associated with NF1-related disorder (PMID: 31717729).The variant has been previously reported as de novo in a similarly affected individual (PMID: 31717729). Different missense changes at the same codon (p.Asn1415Asp, p.Asn1415Lys, p.Asn1415Tyr) have been reported as pathogenic/likely pathogenic with strong evidence (ClinVar ID: VCV000566848, VCV000941609, VCV000963146, VCV001067196 /PMID: 37751797, 39778127). Therefore, this variant is classified as Pathogenic according to the recommendation of ACMG/AMP guideline.

Labcorp Genetics (formerly Invitae), Labcorp
Classification: Pathogenic for Neurofibromatosis, type 1. Last evaluated: 2024-03-14. Review status: criteria provided, single submitter. Criteria: Invitae Variant Classification Sherloc (09022015). Collection method: clinical testing. Allele origin: germline.
Comment: This sequence change replaces asparagine, which is neutral and polar, with histidine, which is basic and polar, at codon 1394 of the NF1 protein (p.Asn1394His). This variant is not present in population databases (gnomAD no frequency). This missense change has been observed in individual(s) with neurofibromatosis, type 1 (Invitae). In at least one individual the variant was observed to be de novo. ClinVar contains an entry for this variant (Variation ID: 523625). Advanced modeling of protein sequence and biophysical properties (such as structural, functional, and spatial information, amino acid conservation, physicochemical variation, residue mobility, and thermodynamic stability) performed at Invitae indicates that this missense variant is expected to disrupt NF1 protein function with a positive predictive value of 95%. For these reasons, this variant has been classified as Pathogenic.

GeneDx
Classification: Likely pathogenic. Last evaluated: 2021-10-18. Review status: criteria provided, single submitter. Criteria: GeneDx Variant Classification Process June 2021. Collection method: clinical testing. Allele origin: germline. Affected: yes.
Comment: Not observed in large population cohorts (Lek 2016); In silico analysis supports that this missense variant has a deleterious effect on protein structure/function; This variant is associated with the following publications: (PMID: 31717729, 22807134, 25486365)

ARUP Laboratories, Molecular Genetics and Genomics, ARUP Laboratories
Classification: Uncertain significance. Last evaluated: 2018-02-23. Review status: criteria provided, single submitter. Criteria: ARUP Molecular Germline Variant Investigation Process. Collection method: clinical testing. Allele origin: germline.
Comment: The NF1 c.4243A>C; p.Asn1415His variant, also known as c.4180A>C; p.Asn1394His for NM000267.3, to our knowledge, is not reported in the medical literature or in gene-specific databases. This variant is also absent from the general population databases (1000 Genomes Project, Exome Variant Server, Genome Aggregation Database), indicating it is not a common polymorphism. The asparagine at codon 1415 is highly conserved and computational algorithms (Alamut v.2.10) predict this variant to be deleterious. However, due to lack of clinical and functional data, the clinical significance of this variant cannot be determined with certainty.

Center of Genomic medicine, Geneva, University Hospital of Geneva
Classification: Uncertain significance for Neurofibromatosis, type 1. Last evaluated: 2017-11-23. Review status: criteria provided, single submitter. Criteria: ACMG Guidelines, 2015. Collection method: clinical testing. Allele origin: germline. Affected: yes.

Literature cited by the submitters: PubMed 37751797 (cited by 3billion); PubMed 31717729 (cited by 3billion).

NM_001042492.3(NF1):c.4243A>C (p.Asn1415His)

Gene: NF1 (neurofibromin 1; plus strand). Cytogenetic location: 17q11.2.
Variant type: single nucleotide variant.
Coding change: c.4243A>C on transcript NM_001042492.3 (MANE Select); coding-DNA position 4243, A replaced by C.
Protein change: p.Asn1415His; replaces asparagine 1415 with histidine.
Molecular consequence: missense variant.
Genome position (GRCh38, 1-based): chr17:31,258,413, A>C. VCF-style: chr17-31258413-A-C. GRCh37 (hg19) VCF-style: chr17-29585431-A-C.
Other names: c.4180A>C, p.Asn1394His (NM_000267.4); short protein forms N1394H, N1415H.
Identifiers: ClinVar variation 523625 (VCV000523625.22), dbSNP rs1555618518, ClinGen allele CA398997868.